The following is an entry in ClinVar:

NM_001127649.3(PEX26):c.310T>A (p.Ser104Thr)

Gene: PEX26 (peroxisomal biogenesis factor 26; plus strand). Cytogenetic location: 22q11.21.
Variant type: single nucleotide variant.
Coding change: c.310T>A on transcript NM_001127649.3 (MANE Select); coding-DNA position 310, T replaced by A.
Protein change: p.Ser104Thr; replaces serine 104 with threonine.
Molecular consequence: missense variant.
Genome position (GRCh38, 1-based): chr22:18,079,953, T>A. VCF-style: chr22-18079953-T-A. GRCh37 (hg19) VCF-style: chr22-18562719-T-A.
Other names: c.310T>A, p.Ser104Thr (NM_001199319.2, NM_017929.6); short protein forms S104T.
Identifiers: ClinVar variation 1023224 (VCV001023224.6), dbSNP rs148629338, ClinGen allele CA10093286.

ClinVar aggregate classification (germline): Uncertain significance (1 of 4 stars; one submission).

Conditions:
Peroxisome biogenesis disorder 7A (Zellweger). Also called: Peroxisome biogenesis disorder 7A. Identifiers: Orphanet 912, MedGen C3888385, MONDO:0013938, OMIM 614872.
Peroxisome biogenesis disorder 7B (PBD7B). Identifiers: Orphanet 44, MedGen C3553951, MONDO:0013939, OMIM 614873.

Allele frequency attached by ClinVar (database versions not stated): gnomAD exomes below 0.00001 and 0.00001; ExAC 0.00001; gnomAD 0.00001; TOPMed 0.00001; ESP Exome Variant Server 0.00008.
gnomAD v4.1: 13 of 1,614,030 alleles (0.00081%); highest among the groups gnomAD compares: Admixed American, 0.0033%; no homozygotes.

Submission:

Labcorp Genetics (formerly Invitae), Labcorp
Classification: Uncertain significance for Peroxisome biogenesis disorder 7A (Zellweger); Peroxisome biogenesis disorder 7B. Last evaluated: 2022-02-24. Review status: criteria provided, single submitter. Criteria: Invitae Variant Classification Sherloc (09022015). Collection method: clinical testing. Allele origin: germline.
Comment: This sequence change replaces serine, which is neutral and polar, with threonine, which is neutral and polar, at codon 104 of the PEX26 protein (p.Ser104Thr). This variant is present in population databases (rs148629338, gnomAD 0.003%). This variant has not been reported in the literature in individuals affected with PEX26-related conditions. ClinVar contains an entry for this variant (Variation ID: 1023224). Algorithms developed to predict the effect of missense changes on protein structure and function are either unavailable or do not agree on the potential impact of this missense change (SIFT: "Tolerated"; PolyPhen-2: "Possibly Damaging"; Align-GVGD: "Class C0"). In summary, the available evidence is currently insufficient to determine the role of this variant in disease. Therefore, it has been classified as a Variant of Uncertain Significance.